The following is an entry in ClinVar:

NM_153717.3(EVC):c.2258G>A (p.Arg753Gln)

Gene: EVC (EvC ciliary complex subunit 1; plus strand). Cytogenetic location: 4p16.2.
Variant type: single nucleotide variant.
Coding change: c.2258G>A on transcript NM_153717.3 (MANE Select); coding-DNA position 2258, G replaced by A.
Protein change: p.Arg753Gln; replaces arginine 753 with glutamine.
Molecular consequence: missense variant.
Genome position (GRCh38, 1-based): chr4:5,798,746, G>A. VCF-style: chr4-5798746-G-A. GRCh37 (hg19) VCF-style: chr4-5800473-G-A.
Other names: c.2258G>A, p.Arg753Gln (NM_001306090.2); short protein forms R753Q.
Identifiers: ClinVar variation 2037675 (VCV002037675.7), dbSNP rs146739019, ClinGen allele CA2836427.

ClinVar aggregate classification (germline): Conflicting classifications of pathogenicity. Review status: criteria provided, conflicting classifications (1 of 4 stars). 3 submissions from 3 submitters: Uncertain significance (2); Likely benign (1). Last evaluated 2025-04-19.

Conditions:
Ellis-van Creveld syndrome (EVC). Also called: MESOECTODERMAL DYSPLASIA; EVC-Related Ellis-van Creveld Syndrome; EVC2-Related Ellis-van Creveld Syndrome; Chondroectodermal dysplasia. Identifiers: Orphanet 289, MedGen C0013903, MONDO:0009162, OMIM 225500.
Curry-Hall syndrome (WAD). Also called: WEYERS ACRODENTAL DYSOSTOSIS. Identifiers: Orphanet 952, MedGen C0457013, MONDO:0008673, OMIM 193530.
Inborn genetic diseases. Identifiers: MedGen C0950123, MeSH D030342.

Allele frequency attached by ClinVar (database versions not stated): gnomAD exomes 0.00005; ExAC 0.00013; ESP Exome Variant Server 0.00023; gnomAD 0.00032; TOPMed 0.00040; 1000 Genomes Project 30x 0.00078; 1000 Genomes Project 0.00100.

Submissions (3):

Labcorp Genetics (formerly Invitae), Labcorp
Classification: Likely benign for Curry-Hall syndrome; Ellis-van Creveld syndrome. Last evaluated: 2025-04-19. Review status: criteria provided, single submitter. Criteria: Invitae Variant Classification Sherloc (09022015). Collection method: clinical testing. Allele origin: germline.

Women's Health and Genetics/Laboratory Corporation of America, LabCorp
Classification: Uncertain significance. Last evaluated: 2025-04-15. Review status: criteria provided, single submitter. Criteria: LabCorp Variant Classification Summary - May 2015. Collection method: clinical testing. Allele origin: germline.
Comment: Variant summary: EVC c.2258G>A (p.Arg753Gln) results in a conservative amino acid change in the encoded protein sequence. Four of five in-silico tools predict a benign effect of the variant on protein function. The variant allele was found at a frequency of 7.5e-05 in 1611136 control chromosomes. This frequency is not significantly higher than estimated for a pathogenic variant in EVC causing Ellis-van Creveld syndrome, allowing no conclusion about variant significance. To our knowledge, no occurrence of c.2258G>A in individuals affected with Ellis-van Creveld syndrome and no experimental evidence demonstrating its impact on protein function have been reported. ClinVar contains an entry for this variant (Variation ID: 2037675). Based on the evidence outlined above, the variant was classified as uncertain significance.

Ambry Genetics
Classification: Uncertain significance for Inborn genetic diseases. Last evaluated: 2021-08-10. Review status: criteria provided, single submitter. Criteria: Ambry Variant Classification Scheme 2023. Collection method: clinical testing. Allele origin: germline.